The following is an entry in ClinVar:

ClinVar aggregate classification (germline): Pathogenic (1 of 4 stars; one submission).

Allele frequency attached by ClinVar (database versions not stated): TOPMed below 0.00001.

Submission:

Labcorp Genetics (formerly Invitae), Labcorp
Classification: Pathogenic. Last evaluated: 2023-04-07. Review status: criteria provided, single submitter. Criteria: Invitae Variant Classification Sherloc (09022015). Collection method: clinical testing. Allele origin: germline.
Comment: For these reasons, this variant has been classified as Pathogenic. This variant has not been reported in the literature in individuals affected with TYR-related conditions. This variant is not present in population databases (gnomAD no frequency). This sequence change creates a premature translational stop signal (p.Gly93Alafs*27) in the TYR gene. It is expected to result in an absent or disrupted protein product. Loss-of-function variants in TYR are known to be pathogenic (PMID: 23504663).

Literature cited by the submitters: PubMed 23504663.

NM_000372.5(TYR):c.276del (p.Gly93fs)

Gene: TYR (tyrosinase; plus strand). Cytogenetic location: 11q14.3.
Variant type: Deletion.
Coding change: c.276del on transcript NM_000372.5 (MANE Select); coding-DNA position 276, one base deleted (T; older notation c.276delT).
Protein change: p.Gly93fs; shifts the reading frame from glycine 93.
Molecular consequence: frameshift variant.
Genome position (GRCh38, 1-based): chr11:89,178,229, T deleted. VCF-style (leftmost placement, unchanged base first): chr11-89178228-CT-C. GRCh37 (hg19) VCF-style: chr11-88911396-CT-C.
Other names: short protein forms G93fs.
Identifiers: ClinVar variation 2853251 (VCV002853251.3), dbSNP rs1943251200, ClinGen allele CA1989919733.